The following is an entry in ClinVar:

NM_001267550.2(TTN):c.51136+3A>G

Genes: TTN-AS1 (TTN antisense RNA 1; plus strand), TTN (titin; minus strand). Cytogenetic location: 2q31.2.
Variant type: single nucleotide variant.
Coding change: c.51136+3A>G on transcript NM_001267550.2 (MANE Select); 3 bases into the intron after coding-DNA position 51136, A replaced by G.
Molecular consequence: intron variant.
Genome position (GRCh38, 1-based): chr2:178,610,990, T>C on the plus strand (A>G on the coding strand, the complement: TTN is on the minus strand). VCF-style: chr2-178610990-T-C. GRCh37 (hg19) VCF-style: chr2-179475717-T-C.
Other names: c.46213+3A>G (NM_001256850.1); c.23941+3A>G (NM_003319.4); c.24517+3A>G (NM_133437.4); c.24316+3A>G (NM_133432.3); c.43432+3A>G (NM_133378.4).
Identifiers: ClinVar variation 2931764 (VCV002931764.3), dbSNP rs2470469366, ClinGen allele CA2740096135.

ClinVar aggregate classification (germline): Uncertain significance (1 of 4 stars; one submission).

Conditions:
Autosomal recessive limb-girdle muscular dystrophy type 2J (LGMDR10). Also called: Limb-girdle muscular dystrophy, type 2J; MUSCULAR DYSTROPHY, LIMB-GIRDLE, AUTOSOMAL RECESSIVE 10. Identifiers: Orphanet 140922, MedGen C1837342, MONDO:0012127, OMIM 608807.
Dilated cardiomyopathy 1G (CMD1G). Identifiers: Orphanet 154, MedGen C1858763, MONDO:0011400, OMIM 604145.

Submission:

Labcorp Genetics (formerly Invitae), Labcorp
Classification: Uncertain significance for Dilated cardiomyopathy 1G; Autosomal recessive limb-girdle muscular dystrophy type 2J. Last evaluated: 2023-12-31. Review status: criteria provided, single submitter. Criteria: Invitae Variant Classification Sherloc (09022015). Collection method: clinical testing. Allele origin: germline.
Comment: This sequence change falls in intron 270 of the TTN gene. It does not directly change the encoded amino acid sequence of the TTN protein. It affects a nucleotide within the consensus splice site. This variant is not present in population databases (gnomAD no frequency). This variant has not been reported in the literature in individuals affected with TTN-related conditions. Variants that disrupt the consensus splice site are a relatively common cause of aberrant splicing (PMID: 17576681, 9536098). Algorithms developed to predict the effect of sequence changes on RNA splicing suggest that this variant may disrupt the consensus splice site. This variant is located in the A band of TTN (PMID: 25589632). Variants in this region may be relevant for cardiac or neuromuscular disorders (PMID: 25589632, 23975875). In summary, the available evidence is currently insufficient to determine the role of this variant in disease. Therefore, it has been classified as a Variant of Uncertain Significance.

Literature cited by the submitters: PubMed 17576681; PubMed 9536098; PubMed 25589632; PubMed 23975875.